The following is an entry in ClinVar:

Single allele

Genes: LINC01237 (long intergenic non-protein coding RNA 1237; plus strand), LINC01238 (long intergenic non-protein coding RNA 1238; plus strand), LINC01880 (long intergenic non-protein coding RNA 1880; minus strand), LINC01881 (long intergenic non-protein coding RNA 1881; plus strand), LINC03100 (long intergenic non-protein coding RNA 3100; minus strand) and 3 more. Cytogenetic location: 2q37.3.
Variant type: Deletion.
Identifiers: ClinVar variation 156829 (VCV000156829.2).

ClinVar aggregate classification (germline): not provided. Review status: no classification provided (0 of 4 stars). 2 submissions from 1 submitter: not provided (2).

Conditions:
Normal pregnancy. Identifiers: MedGen C0232989.
Gestational diabetes mellitus uncontrolled. Identifiers: MedGen C3532257.

Submissions (2):

Institute of Molecular and Cell Biology, University of Tartu
No classification provided. Condition: Normal pregnancy. Review status: no classification provided. Collection method: case-control. Allele origin: unknown. Affected: yes. Study: Kasak2014.
Comment: The study aimed to determine the contribution of copy number variants in the genetic etiology of normal and complicated pregnancies. The samples represented (i) maternal blood DNA drawn from healthy pregnant women during 1st or 2nd trimester and (ii) maternal and paternal blood DNA drawn at term pregnancy cases representing normal and complicated gestations (severe preeclampsia, PE; gestational diabetes, GD; small-for-gestational age newborn, SGA; large-for-gestational age newborn, LGA). We performed CNV calling based on genome-wide genotyping dataset (Illumina HumanOmniExpress-24-v1 BeadChip) by applying three algorithms, QuantiSNP, GADA (Genome Alteration Detection Algorithm) and CNstream in parallel. The acquired CNV calls were merged with HD-CNV (Hotspot Detector for Copy Number Variants) program and only the CNVs predicted by at least two programs, were considered in subsequent analysis.

Institute of Molecular and Cell Biology, University of Tartu
No classification provided. Condition: Gestational diabetes mellitus uncontrolled. Review status: no classification provided. Collection method: case-control. Allele origin: unknown. Affected: yes. Study: Kasak2014.
Comment: the same text as in the submission from Institute of Molecular and Cell Biology, University of Tartu above.

Literature cited by the submitters: PubMed 25666259.